The following is an entry in ClinVar:

NM_001967.4(EIF4A2):c.744dup (p.Gln249fs)

Gene: EIF4A2 (eukaryotic translation initiation factor 4A2; plus strand). Cytogenetic location: 3q27.3.
Variant type: Duplication.
Coding change: c.744dup on transcript NM_001967.4 (MANE Select); coding-DNA position 744, one base duplicated (A; older notation c.744dupA).
Protein change: p.Gln249fs; shifts the reading frame from glutamine 249.
Molecular consequence: frameshift variant.
Genome position (GRCh38, 1-based): chr3:186,786,618, A duplicated; the last of 3 consecutive A bases (chr3:186,786,616-186,786,618); duplicating any one gives the same sequence. VCF-style (leftmost placement, unchanged base first): chr3-186786615-C-CA. GRCh37 (hg19) VCF-style: chr3-186504404-C-CA.
Other names: short protein forms Q249fs.
Identifiers: ClinVar variation 3368094 (VCV003368094.1).

ClinVar aggregate classification (germline): Uncertain significance (1 of 4 stars; one submission).

Submission:

GeneDx
Classification: Uncertain significance. Last evaluated: 2024-01-25. Review status: criteria provided, single submitter. Criteria: GeneDx Variant Classification Process June 2021. Collection method: clinical testing. Allele origin: germline. Affected: yes.
Comment: Not observed at significant frequency in large population cohorts (gnomAD); Frameshift variant predicted to result in protein truncation or nonsense mediated decay in a gene or region of a gene for which loss of function is not a well-established mechanism of disease; Has not been previously published as pathogenic or benign to our knowledge